The following is an entry in ClinVar:

NM_178452.6(DNAAF1):c.548A>G (p.Asn183Ser)

Gene: DNAAF1 (dynein axonemal assembly factor 1; plus strand). Cytogenetic location: 16q24.1.
Variant type: single nucleotide variant.
Coding change: c.548A>G on transcript NM_178452.6 (MANE Select); coding-DNA position 548, A replaced by G.
Protein change: p.Asn183Ser; replaces asparagine 183 with serine.
Molecular consequence: missense variant.
Genome position (GRCh38, 1-based): chr16:84,154,772, A>G. VCF-style: chr16-84154772-A-G. GRCh37 (hg19) VCF-style: chr16-84188377-A-G.
Other names: short protein forms N183S.
Identifiers: ClinVar variation 4728590 (VCV004728590.1).

ClinVar aggregate classification (germline): Uncertain significance (1 of 4 stars; one submission).

Conditions:
Primary ciliary dyskinesia. Also called: Ciliary dyskinesia. Identifiers: Orphanet 244, MedGen C0008780, MONDO:0016575, HP:0012265.

Submission:

Labcorp Genetics (formerly Invitae), Labcorp
Classification: Uncertain significance for Primary ciliary dyskinesia. Last evaluated: 2025-11-28. Review status: criteria provided, single submitter. Criteria: Invitae Variant Classification Sherloc (09022015). Collection method: clinical testing. Allele origin: germline.
Comment: This sequence change replaces asparagine, which is neutral and polar, with serine, which is neutral and polar, at codon 183 of the DNAAF1 protein (p.Asn183Ser). This variant is not present in population databases (gnomAD no frequency). This variant has not been reported in the literature in individuals affected with DNAAF1-related conditions. An algorithm developed to predict the effect of missense changes on protein structure and function (PolyPhen-2) suggests that this variant is likely to be disruptive. In summary, the available evidence is currently insufficient to determine the role of this variant in disease. Therefore, it has been classified as a Variant of Uncertain Significance.